The following is an entry in ClinVar:

ClinVar aggregate classification (germline): Pathogenic (1 of 4 stars; one submission).

Conditions:
COG5-congenital disorder of glycosylation. Also called: COG5-CDG; CDG IIi; CONGENITAL DISORDER OF GLYCOSYLATION, TYPE IIi. Identifiers: Orphanet 263487, MedGen C3150876, MONDO:0013325, OMIM 613612.

Submission:

Labcorp Genetics (formerly Invitae), Labcorp
Classification: Pathogenic for COG5-congenital disorder of glycosylation. Last evaluated: 2025-04-02. Review status: criteria provided, single submitter. Criteria: Invitae Variant Classification Sherloc (09022015). Collection method: clinical testing. Allele origin: germline.
Comment: This sequence change creates a premature translational stop signal (p.Ser777Glnfs*14) in the COG5 gene. It is expected to result in an absent or disrupted protein product. Loss-of-function variants in COG5 are known to be pathogenic (PMID: 23228021). This variant is not present in population databases (gnomAD no frequency). This variant has not been reported in the literature in individuals affected with COG5-related conditions. ClinVar contains an entry for this variant (Variation ID: 1385615). For these reasons, this variant has been classified as Pathogenic.

Literature cited by the submitters: PubMed 23228021.

NM_006348.5(COG5):c.2234dup (p.Ser746fs)

Gene: COG5 (component of oligomeric golgi complex 5; minus strand). Cytogenetic location: 7q22.3.
Variant type: Duplication.
Coding change: c.2234dup on transcript NM_006348.5 (MANE Select); coding-DNA position 2234, one base duplicated (T; older notation c.2234dupT).
Protein change: p.Ser746fs; shifts the reading frame from serine 746.
Molecular consequence: frameshift variant. On other transcripts: intron variant (1).
Genome position (GRCh38, 1-based): chr7:107,211,160, A duplicated on the plus strand (T on the coding strand, the reverse complement: COG5 is on the minus strand); the first of 2 consecutive A bases (chr7:107,211,160-107,211,161); duplicating either gives the same sequence. VCF-style (leftmost placement, unchanged base first): chr7-107211159-G-GA. GRCh37 (hg19) VCF-style: chr7-106851604-G-GA.
Other names: c.2234dup, p.Ser746fs (NM_001161520.2); c.2072dup, p.Ser692fs (NM_001379511.1); c.2060dup, p.Ser688fs (NM_001379512.1); c.1919dup, p.Ser641fs (NM_001379514.1); c.1664dup, p.Ser556fs (NM_001379515.1); c.1520dup, p.Ser508fs (NM_001379516.1); c.2171dup, p.Ser725fs (NM_181733.4); c.2169-7530dup (NM_001379513.1); short protein forms S508fs, S641fs, S688fs, S725fs, S556fs, S692fs, S746fs.
Identifiers: ClinVar variation 1385615 (VCV001385615.6), dbSNP rs2116202376, ClinGen allele CA2573141372.